The following is an entry in ClinVar:

ClinVar aggregate classification (germline): Pathogenic (1 of 4 stars; one submission).

Conditions:
Hereditary factor XI deficiency disease. Also called: PLASMA THROMBOPLASTIN ANTECEDENT DEFICIENCY; PTA DEFICIENCY; ROSENTHAL SYNDROME; Congenital factor XI deficiency. Identifiers: Orphanet 329, MedGen C0015523, MeSH D005173, MONDO:0012897, OMIM 612416.

Submission:

Myriad Genetics, Inc.
Classification: Pathogenic for Hereditary factor XI deficiency disease. Last evaluated: 2024-05-14. Review status: criteria provided, single submitter. Criteria: Myriad Autosomal Dominant, Autosomal Recessive and X-Linked Classification Criteria (2023). Collection method: clinical testing. Allele origin: unknown.
Comment: NM_000128.3(F11):c.697_698del2ins9(H233Tfs*28) is expected to be pathogenic in the context of factor XI deficiency. This variant is predicted to lead to an abnormal or absent protein product due to the creation of a premature termination codon in F11, a gene where loss-of-function variants are known to be pathogenic. Please note: this variant was assessed in the context of healthy population screening.

NM_000128.4(F11):c.697_698delinsACTGTCTCT (p.His233fs)

Gene: F11 (coagulation factor XI; plus strand). Cytogenetic location: 4q35.2.
Variant type: Indel.
Coding change: c.697_698delinsACTGTCTCT on transcript NM_000128.4 (MANE Select); coding-DNA positions 697 to 698, CA replaced by ACTGTCTCT.
Protein change: p.His233fs; shifts the reading frame from histidine 233.
Molecular consequence: frameshift variant. On other transcripts: intron variant (4).
Genome position (GRCh38, 1-based): chr4:186,276,332-186,276,333, CA replaced by ACTGTCTCT. VCF-style: chr4-186276332-CA-ACTGTCTCT. GRCh37 (hg19) VCF-style: chr4-187197486-CA-ACTGTCTCT.
Other names: c.697_698delinsACTGTCTCT, p.His233fs (NM_001440590.1, NM_001440593.1, NM_001440596.1); c.485+2057_485+2058delinsACTGTCTCT (NM_001440605.1, NM_001440607.1, NM_001440606.1 and 1 more transcripts); short protein forms H233fs.
Identifiers: ClinVar variation 5016373 (VCV005016373.1).